The following is an entry in ClinVar:

NM_001282225.2(ADA2):c.872C>T (p.Ser291Leu)

Gene: ADA2 (adenosine deaminase 2; minus strand). Cytogenetic location: 22q11.1.
Variant type: single nucleotide variant.
Coding change: c.872C>T on transcript NM_001282225.2 (MANE Select); coding-DNA position 872, C replaced by T.
Protein change: p.Ser291Leu; replaces serine 291 with leucine.
Molecular consequence: missense variant.
Genome position (GRCh38, 1-based): chr22:17,191,692, G>A on the plus strand (C>T on the coding strand, the complement: ADA2 is on the minus strand). VCF-style: chr22-17191692-G-A. GRCh37 (hg19) VCF-style: chr22-17672582-G-A.
Other names: c.872C>T, p.Ser291Leu (NM_001282226.2); c.746C>T, p.Ser249Leu (NM_001282227.2, NM_001282228.2); c.512C>T, p.Ser171Leu (NM_001282229.2); c.149C>T, p.Ser50Leu (NM_177405.3); short protein forms S171L, S249L, S291L, S50L.
Identifiers: ClinVar variation 2169625 (VCV002169625.5), dbSNP rs1390146619, ClinGen allele CA410225270.

ClinVar aggregate classification (germline): Conflicting classifications of pathogenicity. Review status: criteria provided, conflicting classifications (1 of 4 stars). 2 submissions from 2 submitters: Pathogenic (1); Uncertain significance (1). Last evaluated 2025-06-20.

Conditions:
Deficiency of adenosine deaminase 2. Also called: Polyarteritis nodosa, childhoood-onset; Adenosine Deaminase 2 Deficiency; VASCULITIS, AUTOINFLAMMATION, IMMUNODEFICIENCY, AND HEMATOLOGIC DEFECTS SYNDROME. Identifiers: Orphanet 404553, MedGen C3887654, MONDO:0014306, OMIM 615688, MONDO:0100317.

Allele frequency attached by ClinVar (database versions not stated): gnomAD 0.00001; gnomAD exomes 0.00001; TOPMed 0.00001.
gnomAD v4.1: 11 of 1,613,314 alleles (0.00068%); highest among the groups gnomAD compares: South Asian, 0.0022%; no homozygotes.

Submissions (2):

Revvity Omics, Revvity
Classification: Uncertain significance. Last evaluated: 2025-06-20. Review status: criteria provided, single submitter. Criteria: ACMG Guidelines, 2015. Collection method: clinical testing. Allele origin: germline.

Labcorp Genetics (formerly Invitae), Labcorp
Classification: Pathogenic for Deficiency of adenosine deaminase 2. Last evaluated: 2025-05-27. Review status: criteria provided, single submitter. Criteria: Invitae Variant Classification Sherloc (09022015). Collection method: clinical testing. Allele origin: germline.
Comment: This sequence change replaces serine, which is neutral and polar, with leucine, which is neutral and non-polar, at codon 291 of the ADA2 protein (p.Ser291Leu). This variant is present in population databases (no rsID available, gnomAD 0.002%). This missense change has been observed in individual(s) with ADA2 deficiency (PMID: 29681619, 35471231). In at least one individual the data is consistent with being in trans (on the opposite chromosome) from a pathogenic variant. ClinVar contains an entry for this variant (Variation ID: 2169625). Invitae Evidence Modeling of protein sequence and biophysical properties (such as structural, functional, and spatial information, amino acid conservation, physicochemical variation, residue mobility, and thermodynamic stability) indicates that this missense variant is expected to disrupt ADA2 protein function with a positive predictive value of 95%. Experimental studies have shown that this missense change affects ADA2 function (PMID: 34004258). For these reasons, this variant has been classified as Pathogenic.

Literature cited by the submitters: PubMed 29681619 (cited by Labcorp Genetics (formerly Invitae), Labcorp); PubMed 35471231 (cited by Labcorp Genetics (formerly Invitae), Labcorp); PubMed 34004258 (cited by Labcorp Genetics (formerly Invitae), Labcorp).